The following is an entry in ClinVar:

ClinVar aggregate classification (germline): Uncertain significance. Review status: criteria provided, multiple submitters, no conflicts (2 of 4 stars). 2 submissions from 2 submitters: Uncertain significance (2). Last evaluated 2026-08-10.

Conditions:
Inborn genetic diseases. Identifiers: MedGen C0950123, MeSH D030342.
MECOM-related disorder. Also called: MECOM-related condition.

Submissions (2):

Ambry Genetics
Classification: Uncertain significance for Inborn genetic diseases. Last evaluated: 2026-08-10. Review status: criteria provided, single submitter. Criteria: Ambry Variant Classification Scheme 2023. Collection method: clinical testing. Allele origin: germline.
Comment: The p.F1153C variant (also known as c.3458T>G), located in coding exon 16 of the MECOM gene, results from a T to G substitution at nucleotide position 3458. The phenylalanine at codon 1153 is replaced by cysteine, an amino acid with highly dissimilar properties. This amino acid position is conserved. In addition, the in silico prediction for this alteration is inconclusive. Based on the available evidence, the clinical significance of this variant remains unclear.

PreventionGenetics, part of Exact Sciences
Classification: Uncertain significance for MECOM-related condition. Last evaluated: 2023-06-14. Review status: criteria provided, single submitter. Criteria: ACMG Guidelines, 2015. Collection method: clinical testing. Allele origin: germline.
Comment: The MECOM c.3458T>G variant is predicted to result in the amino acid substitution p.Phe1153Cys. To our knowledge, this variant has not been reported in the literature or in a large population database, indicating this variant is rare. At this time, the clinical significance of this variant is uncertain due to the absence of conclusive functional and genetic evidence.

NM_004991.4(MECOM):c.3458T>G (p.Phe1153Cys)

Gene: MECOM (MDS1 and EVI1 complex locus; minus strand). Cytogenetic location: 3q26.2.
Variant type: single nucleotide variant.
Coding change: c.3458T>G on transcript NM_004991.4 (MANE Select); coding-DNA position 3458, T replaced by G.
Protein change: p.Phe1153Cys; replaces phenylalanine 1153 with cysteine.
Molecular consequence: missense variant.
Genome position (GRCh38, 1-based): chr3:169,089,127, A>C on the plus strand (T>G on the coding strand, the complement: MECOM is on the minus strand). VCF-style: chr3-169089127-A-C. GRCh37 (hg19) VCF-style: chr3-168806915-A-C.
Other names: c.2459T>G, p.Phe820Cys (NM_001366473.2); c.1895T>G, p.Phe632Cys (NM_001366474.2); c.2894T>G, p.Phe965Cys (NM_005241.4, NM_001205194.2, NM_001366469.2 and 1 more transcripts); c.2867T>G, p.Phe956Cys (NM_001164000.2, NM_001366471.2, NM_001366472.2); c.3431T>G, p.Phe1144Cys (NM_001366466.2); c.2897T>G, p.Phe966Cys (NM_001366467.2, NM_001366468.2); c.2870T>G, p.Phe957Cys (NM_001366470.2, NM_001163999.2); c.3089T>G, p.Phe1030Cys (NM_001105077.4); short protein forms F1030C, F1144C, F1153C, F632C, F820C, F956C, F957C, F965C.
Identifiers: ClinVar variation 2632677 (VCV002632677.2), dbSNP rs2549147188, ClinGen allele CA355067280.